The following is an entry in ClinVar:

NM_001293298.2(CEMIP):c.241+8A>G

Gene: CEMIP (cell migration inducing hyaluronidase 1; plus strand). Cytogenetic location: 15q25.1.
Variant type: single nucleotide variant.
Coding change: c.241+8A>G on transcript NM_001293298.2 (MANE Select); 8 bases into the intron after coding-DNA position 241, A replaced by G.
Molecular consequence: intron variant.
Genome position (GRCh38, 1-based): chr15:80,878,875, A>G. VCF-style: chr15-80878875-A-G. GRCh37 (hg19) VCF-style: chr15-81171216-A-G.
Other names: c.241+8A>G (NM_001293304.2, NM_018689.3).
Identifiers: ClinVar variation 3039938 (VCV003039938.2), dbSNP rs368147528, ClinGen allele CA7692568.

ClinVar aggregate classification (germline): Likely benign (0 of 4 stars; one submission).

Conditions:
CEMIP-related disorder. Also called: CEMIP-related condition.

Allele frequency attached by ClinVar (database versions not stated): TOPMed 0.00003; gnomAD 0.00008; gnomAD exomes 0.00024; 1000 Genomes Project 30x 0.00031; 1000 Genomes Project 0.00040; ExAC 0.00048.
gnomAD v4.1: 359 of 1,614,178 alleles (0.022%); highest among the groups gnomAD compares: South Asian, 0.38%; 5 homozygotes.

Submission:

PreventionGenetics, part of Exact Sciences
Classification: Likely benign for CEMIP-related condition. Last evaluated: 2019-04-03. Review status: no assertion criteria provided. Collection method: clinical testing. Allele origin: germline.
Comment: This variant is classified as likely benign based on ACMG/AMP sequence variant interpretation guidelines (Richards et al. 2015 PMID: 25741868, with internal and published modifications).